The following is an entry in ClinVar:

ClinVar aggregate classification (germline): Likely benign. Review status: criteria provided, multiple submitters, no conflicts (2 of 4 stars). 2 submissions from 2 submitters: Likely benign (2). Last evaluated 2023-04-01.

Conditions:
Tuberous sclerosis 2 (TSC2). Identifiers: Orphanet 805, MedGen C1860707, MONDO:0013199, OMIM 613254.

Submissions (2):

CeGaT Center for Human Genetics Tuebingen
Classification: Likely benign. Last evaluated: 2023-04-01. Review status: criteria provided, single submitter. Criteria: CeGaT Center For Human Genetics Tuebingen Variant Classification Criteria Version 2. Collection method: clinical testing. Allele origin: germline. Affected: yes. Observed: 1 variant allele.
Comment: TSC2: PM2:Supporting, BP4, BP7

Labcorp Genetics (formerly Invitae), Labcorp
Classification: Likely benign for Tuberous sclerosis 2. Last evaluated: 2020-11-06. Review status: criteria provided, single submitter. Criteria: Invitae Variant Classification Sherloc (09022015). Collection method: clinical testing. Allele origin: germline.

NM_000548.5(TSC2):c.4267C>T (p.Leu1423=)

Gene: TSC2 (TSC complex subunit 2; plus strand). Cytogenetic location: 16p13.3.
Variant type: single nucleotide variant.
Coding change: c.4267C>T on transcript NM_000548.5 (MANE Select); coding-DNA position 4267, C replaced by T.
Protein change: p.Leu1423=; no amino-acid change (leucine 1423 retained).
Molecular consequence: synonymous variant.
Genome position (GRCh38, 1-based): chr16:2,084,489, C>T. VCF-style: chr16-2084489-C-T. GRCh37 (hg19) VCF-style: chr16-2134490-C-T.
Other names: c.4066C>T, p.Leu1356= (NM_001077183.3); c.4198C>T, p.Leu1400= (NM_001114382.3); c.3958C>T, p.Leu1320= (NM_001318827.2); c.3922C>T, p.Leu1308= (NM_001318829.2); c.3535C>T, p.Leu1179= (NM_001318831.2); c.4099C>T, p.Leu1367= (NM_001318832.2); c.4069C>T, p.Leu1357= (NM_001363528.2); c.4135C>T, p.Leu1379= (NM_001370404.1); and 1 more.
Identifiers: ClinVar variation 1611115 (VCV001611115.31), dbSNP rs1484475537, ClinGen allele CA493043395.